The following is an entry in ClinVar:

ClinVar aggregate classification (germline): Uncertain significance. Review status: reviewed by expert panel (3 of 4 stars). 2 submissions from 2 submitters: Uncertain significance (1). 1 of the submissions does not count toward it. Last evaluated 2024-08-01.

Conditions:
Hereditary thrombocytopenia and hematologic cancer predisposition syndrome. Identifiers: Orphanet 71290, MedGen CN281654, MONDO:0011071.
Hereditary thrombocytopenia and hematological cancer predisposition syndrome associated with RUNX1. Also called: RUNX1 Familial Platelet Disorder with Associated Myeloid Malignancies; PLATELET DISORDER, ASPIRIN-LIKE; Familial Platelet Disorder with Propensity to Acute Myelogenous Leukemia; Familial thrombocytopenia with propensity to acute myelogenous leukemia. Identifiers: Orphanet 71290, MedGen C1832388, MeSH C563324, MONDO:0100083, OMIM 601399.

Submissions (2):

ClinGen Myeloid Malignancy Variant Curation Expert Panel
Classification: Uncertain significance for Hereditary thrombocytopenia and hematologic cancer predisposition syndrome. Last evaluated: 2024-08-01. Review status: reviewed by expert panel. Criteria: ClinGen MyeloMalig ACMG Specifications v2. Collection method: curation. Allele origin: germline. Inheritance: Autosomal dominant inheritance.
Comment: NM_001754.5(RUNX1):c.1114_1125dup (p.Gly372_Thr375dup) is an in-frame duplication which does not affect any residues within the Runt Homology Domain (AA 89-204) (PM4 not applied). This variant is completely absent from all population databases with at least 20x coverage for RUNX1 (PM2_Supporting). In summary, the clinical significance of this variant is uncertain. ACMG/AMP criteria applied, as specified by the Myeloid Malignancy Variant Curation Expert Panel for RUNX1: None.

Labcorp Genetics (formerly Invitae), Labcorp
Classification: Uncertain significance for Hereditary thrombocytopenia and hematological cancer predisposition syndrome associated with RUNX1. Last evaluated: 2019-12-01. Review status: criteria provided, single submitter. Criteria: Invitae Variant Classification Sherloc (09022015). Collection method: clinical testing. Allele origin: germline. Not counted in ClinVar's aggregate classification.
Comment: This variant is not present in population databases (ExAC no frequency). In summary, the available evidence is currently insufficient to determine the role of this variant in disease. Therefore, it has been classified as a Variant of Uncertain Significance. Experimental studies and prediction algorithms are not available or were not evaluated, and the functional significance of this variant is currently unknown. This variant has not been reported in the literature in individuals with RUNX1-related conditions. This variant, c.1114_1125dup, results in the insertion of 4 amino acid(s) to the RUNX1 protein (p.Gly372_Thr375dup), but otherwise preserves the integrity of the reading frame.

NM_001754.5(RUNX1):c.1114_1125dup (p.Gly372_Thr375dup)

Gene: RUNX1 (RUNX family transcription factor 1; minus strand). Cytogenetic location: 21q22.12.
Variant type: Duplication.
Coding change: c.1114_1125dup on transcript NM_001754.5 (MANE Select); coding-DNA positions 1114 to 1125, 12 bases duplicated (GGCTCGGCCACG).
Protein change: p.Gly372_Thr375dup.
Molecular consequence: inframe insertion.
Genome position (GRCh38, 1-based): chr21:34,792,453-34,792,464, CGTGGCCGAGCC duplicated on the plus strand (GGCTCGGCCACG on the coding strand, the reverse complement: RUNX1 is on the minus strand); duplicating any 12 consecutive bases within chr21:34,792,453-34,792,465 gives the same sequence; the c. name uses the placement nearest the transcript's 3' end. VCF-style (leftmost placement, unchanged base first): chr21-34792452-G-GCGTGGCCGAGCC. GRCh37 (hg19) VCF-style: chr21-36164749-G-GCGTGGCCGAGCC.
Other names: NM_001754.5(RUNX1):c.1114_1125dup; p.Gly372_Thr375dup; c.1033_1044dup, p.Gly345_Thr348dup (NM_001001890.3).
Identifiers: ClinVar variation 858848 (VCV000858848.10), dbSNP rs2056456863, ClinGen allele CA916081961.
Genomic context (GRCh38, chr21:34,792,452, plus strand): 5'-ACGGGCCTCCCTGCGCTTGCGACGAGCCGGGGTAGGGCGGCGGCAGGTAGGTGTGGTAGC[G>GCGTGGCCGAGCC]CGTGGCCGAGCCCATGGCCGACATGCCGATGCCGATGCCCGAGGTGACCGGCGTCGGGGA-3'